The following is an entry in ClinVar:

ClinVar aggregate classification (germline): Likely pathogenic (1 of 4 stars; one submission).

Submission:

Labcorp Genetics (formerly Invitae), Labcorp
Classification: Likely pathogenic. Last evaluated: 2024-07-24. Review status: criteria provided, single submitter. Criteria: Invitae Variant Classification Sherloc (09022015). Collection method: clinical testing. Allele origin: germline.
Comment: This sequence change affects an acceptor splice site in intron 16 of the COL7A1 gene. It is expected to disrupt RNA splicing. Variants that disrupt the donor or acceptor splice site typically lead to a loss of protein function (PMID: 16199547), and loss-of-function variants in COL7A1 are known to be pathogenic (PMID: 16971478). This variant is not present in population databases (gnomAD no frequency). This variant has not been reported in the literature in individuals affected with COL7A1-related conditions. Algorithms developed to predict the effect of sequence changes on RNA splicing suggest that this variant may disrupt the consensus splice site. In summary, the currently available evidence indicates that the variant is pathogenic, but additional data are needed to prove that conclusively. Therefore, this variant has been classified as Likely Pathogenic.

Literature cited by the submitters: PubMed 16199547; PubMed 16971478.

NM_000094.4(COL7A1):c.2171-1G>A

Gene: COL7A1 (collagen type VII alpha 1 chain; minus strand). Cytogenetic location: 3p21.31.
Variant type: single nucleotide variant.
Coding change: c.2171-1G>A on transcript NM_000094.4 (MANE Select); the canonical splice acceptor site of the intron before coding-DNA position 2171, G replaced by A.
Molecular consequence: splice acceptor variant.
Genome position (GRCh38, 1-based): chr3:48,589,471, C>T on the plus strand (G>A on the coding strand, the complement: COL7A1 is on the minus strand). VCF-style: chr3-48589471-C-T. GRCh37 (hg19) VCF-style: chr3-48626904-C-T.
Identifiers: ClinVar variation 3690977 (VCV003690977.2).